The following is an entry in ClinVar:

ClinVar aggregate classification (germline): Uncertain significance. Review status: criteria provided, multiple submitters, no conflicts (2 of 4 stars). 3 submissions from 3 submitters: Uncertain significance (2). 1 of the submissions does not count toward it. Last evaluated 2023-10-15.

Conditions:
Nemaline myopathy 2 (NEM2). Also called: Nemaline myopathy 2, autosomal recessive. Identifiers: MedGen C1850569, MONDO:0009725, OMIM 256030.
Arthrogryposis multiplex congenita 6. Identifiers: MedGen C5543431, MONDO:0030281, OMIM 619334.

Allele frequency attached by ClinVar (database versions not stated): gnomAD 0.00001; gnomAD exomes 0.00001.
gnomAD v4.1: 11 of 1,613,060 alleles (0.00068%); highest among the groups gnomAD compares: Non-Finnish European, 0.00093%; no homozygotes.

Submissions (3):

Department of Pathology and Laboratory Medicine, Sinai Health System
Classification: Uncertain significance for Nemaline myopathy 2; Arthrogryposis multiplex congenita 6. Last evaluated: 2023-10-15. Review status: criteria provided, single submitter. Criteria: ACMG Guidelines, 2015. Collection method: research. Allele origin: germline.

Labcorp Genetics (formerly Invitae), Labcorp
Classification: Uncertain significance for Nemaline myopathy 2. Last evaluated: 2022-07-19. Review status: criteria provided, single submitter. Criteria: Invitae Variant Classification Sherloc (09022015). Collection method: clinical testing. Allele origin: germline.
Comment: This sequence change replaces valine, which is neutral and non-polar, with isoleucine, which is neutral and non-polar, at codon 6813 of the NEB protein (p.Val6813Ile). This variant is not present in population databases (gnomAD no frequency). This variant has not been reported in the literature in individuals affected with NEB-related conditions. ClinVar contains an entry for this variant (Variation ID: 650769). Algorithms developed to predict the effect of missense changes on protein structure and function are either unavailable or do not agree on the potential impact of this missense change (SIFT: "Deleterious"; PolyPhen-2: "Not Available"; Align-GVGD: "Class C0"). In summary, the available evidence is currently insufficient to determine the role of this variant in disease. Therefore, it has been classified as a Variant of Uncertain Significance.

Natera, Inc.
Classification: Uncertain significance for Nemaline myopathy type 2. Last evaluated: 2020-02-21. Review status: no assertion criteria provided. Collection method: clinical testing. Allele origin: germline. Not counted in ClinVar's aggregate classification.

NM_001164508.2(NEB):c.20437G>A (p.Val6813Ile)

Gene: NEB (nebulin; minus strand). Cytogenetic location: 2q23.3.
Variant type: single nucleotide variant.
Coding change: c.20437G>A on transcript NM_001164508.2 (MANE Select); coding-DNA position 20437, G replaced by A.
Protein change: p.Val6813Ile; replaces valine 6813 with isoleucine.
Molecular consequence: missense variant.
Genome position (GRCh38, 1-based): chr2:151,546,374, C>T on the plus strand (G>A on the coding strand, the complement: NEB is on the minus strand). VCF-style: chr2-151546374-C-T. GRCh37 (hg19) VCF-style: chr2-152402888-C-T.
Other names: c.20437G>A, p.Val6813Ile (NM_001164507.2, NM_001271208.2); c.15334G>A, p.Val5112Ile (NM_004543.5); short protein forms V6813I, V5112I.
Identifiers: ClinVar variation 650769 (VCV000650769.11), dbSNP rs951646007, ClinGen allele CA57642963.